The following is an entry in ClinVar:

NM_153332.4(ERI1):c.352A>T (p.Lys118Ter)

Gene: ERI1 (exoribonuclease 1). Cytogenetic location: 8p23.1.
Variant type: single nucleotide variant.
Coding change: c.352A>T on transcript NM_153332.4 (MANE Select); coding-DNA position 352, A replaced by T.
Protein change: p.Lys118Ter; replaces lysine 118 with a stop codon.
Molecular consequence: nonsense.
Genome position (GRCh38, 1-based): chr8:9,011,606, A>T. VCF-style: chr8-9011606-A-T. GRCh37 (hg19) VCF-style: chr8-8869116-A-T.
Other names: c.118A>T, p.Lys40Ter (NM_001354635.2); c.7A>T, p.Lys3Ter (NM_001354636.2); c.352A>T, p.Lys118Ter (NM_001354638.2); short protein forms K118*, K3*, K40*.
Identifiers: ClinVar variation 2674624 (VCV002674624.4), dbSNP rs2486218891, ClinGen allele CA370262943.

ClinVar aggregate classification (germline): Likely pathogenic. Review status: criteria provided, single submitter (1 of 4 stars). 2 submissions from 2 submitters: Likely pathogenic (1). 1 of the submissions does not count toward it. Last evaluated 2024-03-03.

Conditions:
Hoxha-Aliu syndrome (HXAL). Identifiers: MedGen C5882736, MONDO:0958005, OMIM 620662.

Submissions (2):

SIB Swiss Institute of Bioinformatics
Classification: Likely pathogenic for Hoxha-Aliu syndrome. Last evaluated: 2024-03-03. Review status: criteria provided, single submitter. Criteria: ACMG Guidelines, 2015. Collection method: curation. Allele origin: unknown. Affected: yes.
Comment: This variant is interpreted for Hoxha-Aliu syndrome, autosomal recessive. The following ACMG Tag(s) were applied: Absent from controls (or at extremely low frequency if recessive) in gnomAD (PM2). Predicted nullvariant in a gene where LOF is a known mechanism of disease (PVS1-strong).

OMIM
Classification: Pathogenic for HOXHA-ALIU SYNDROME. Last evaluated: 2024-02-08. Review status: no assertion criteria provided. Collection method: literature only. Allele origin: germline. Not counted in ClinVar's aggregate classification.

Literature cited by the submitters: PubMed 36208065 (cited by SIB Swiss Institute of Bioinformatics and OMIM).